The following is an entry in ClinVar:

NM_177438.3(DICER1):c.1814T>C (p.Met605Thr)

Gene: DICER1 (dicer 1, ribonuclease III; minus strand). Cytogenetic location: 14q32.13.
Variant type: single nucleotide variant.
Coding change: c.1814T>C on transcript NM_177438.3 (MANE Select); coding-DNA position 1814, T replaced by C.
Protein change: p.Met605Thr; replaces methionine 605 with threonine.
Molecular consequence: missense variant.
Genome position (GRCh38, 1-based): chr14:95,115,760, A>G on the plus strand (T>C on the coding strand, the complement: DICER1 is on the minus strand). VCF-style: chr14-95115760-A-G. GRCh37 (hg19) VCF-style: chr14-95582097-A-G.
Other names: c.1814T>C, p.Met605Thr (NM_001195573.1, NM_001271282.3, NM_001291628.2 and 1 more transcripts); short protein forms M605T.
Identifiers: ClinVar variation 543611 (VCV000543611.18), dbSNP rs1249693564, ClinGen allele CA390884077.

ClinVar aggregate classification (germline): Conflicting classifications of pathogenicity. Review status: criteria provided, conflicting classifications (1 of 4 stars). 4 submissions from 4 submitters: Uncertain significance (3); Likely benign (1). Last evaluated 2025-01-10.

Conditions:
Hereditary cancer-predisposing syndrome. Also called: Neoplastic Syndromes, Hereditary; Tumor predisposition; Hereditary Cancer Syndrome; Hereditary neoplastic syndrome. Identifiers: Orphanet 140162, MedGen C0027672, MeSH D009386, MONDO:0015356.
DICER1-related tumor predisposition. Also called: DICER1-related pleuropulmonary blastoma cancer predisposition syndrome; DICER1 syndrome. Identifiers: Orphanet 284343, MedGen C3839822, MONDO:0100216.

Allele frequency attached by ClinVar (database versions not stated): gnomAD exomes below 0.00001; TOPMed below 0.00001; gnomAD 0.00001.
gnomAD v4.1: 3 of 1,614,062 alleles (0.00019%); highest among the groups gnomAD compares: African/African-American, 0.0013%; no homozygotes.

Submissions (4):

Quest Diagnostics Nichols Institute San Juan Capistrano
Classification: Uncertain significance. Last evaluated: 2025-01-10. Review status: criteria provided, single submitter. Criteria: Quest Diagnostics criteria. Collection method: clinical testing. Allele origin: unknown.
Comment: The DICER1 c.1814T>C (p.Met605Thr) variant has not been reported in individuals with DICER1-related conditions in the published literature. The frequency of this variant in the general population (Genome Aggregation Database) is uninformative in the assessment of its pathogenicity. Analysis of this variant using bioinformatics tools for the prediction of the effect of amino acid changes on protein structure and function yielded predictions that this variant is benign. Based on the available information, we are unable to determine the clinical significance of this variant.

Ambry Genetics
Classification: Likely benign for Hereditary cancer-predisposing syndrome. Last evaluated: 2024-12-05. Review status: criteria provided, single submitter. Criteria: Ambry Variant Classification Scheme 2023. Collection method: clinical testing. Allele origin: germline.

Labcorp Genetics (formerly Invitae), Labcorp
Classification: Uncertain significance for DICER1-related tumor predisposition. Last evaluated: 2024-04-24. Review status: criteria provided, single submitter. Criteria: Invitae Variant Classification Sherloc (09022015). Collection method: clinical testing. Allele origin: germline.
Comment: This sequence change replaces methionine, which is neutral and non-polar, with threonine, which is neutral and polar, at codon 605 of the DICER1 protein (p.Met605Thr). This variant is not present in population databases (gnomAD no frequency). This variant has not been reported in the literature in individuals affected with DICER1-related conditions. ClinVar contains an entry for this variant (Variation ID: 543611). Advanced modeling of protein sequence and biophysical properties (such as structural, functional, and spatial information, amino acid conservation, physicochemical variation, residue mobility, and thermodynamic stability) performed at Invitae indicates that this missense variant is not expected to disrupt DICER1 protein function with a negative predictive value of 80%. In summary, the available evidence is currently insufficient to determine the role of this variant in disease. Therefore, it has been classified as a Variant of Uncertain Significance.

GeneDx
Classification: Uncertain significance. Last evaluated: 2023-01-25. Review status: criteria provided, single submitter. Criteria: GeneDx Variant Classification Process June 2021. Collection method: clinical testing. Allele origin: germline. Affected: yes.
Comment: Not observed at significant frequency in large population cohorts (gnomAD); In silico analysis supports that this missense variant does not alter protein structure/function; Has not been previously published as pathogenic or benign to our knowledge